The following is an entry in ClinVar:

ClinVar aggregate classification (germline): Uncertain significance. Review status: criteria provided, multiple submitters, no conflicts (2 of 4 stars). 2 submissions from 2 submitters: Uncertain significance (2). Last evaluated 2025-09-27.

Conditions:
Cardiovascular phenotype. Identifiers: MedGen CN230736.
Dilated cardiomyopathy 1J (CMD1J). Also called: CARDIOMYOPATHY, DILATED, WITH SENSORINEURAL HEARING LOSS, AUTOSOMAL DOMINANT. Identifiers: Orphanet 217622, MedGen C1854368, MONDO:0011541, OMIM 605362.

Allele frequency attached by ClinVar (database versions not stated): ExAC 0.00001; gnomAD exomes 0.00001.
gnomAD v4.1: 11 of 1,613,850 alleles (0.00068%); highest among the groups gnomAD compares: Non-Finnish European, 0.00093%; no homozygotes.

Submissions (2):

Labcorp Genetics (formerly Invitae), Labcorp
Classification: Uncertain significance for Dilated cardiomyopathy 1J. Last evaluated: 2025-09-27. Review status: criteria provided, single submitter. Criteria: Invitae Variant Classification Sherloc (09022015). Collection method: clinical testing. Allele origin: germline.
Comment: This sequence change replaces glutamine, which is neutral and polar, with arginine, which is basic and polar, at codon 216 of the EYA4 protein (p.Gln216Arg). This variant is present in population databases (rs751512877, gnomAD 0.002%). This variant has not been reported in the literature in individuals affected with EYA4-related conditions. ClinVar contains an entry for this variant (Variation ID: 3223700). Invitae Evidence Modeling of protein sequence and biophysical properties (such as structural, functional, and spatial information, amino acid conservation, physicochemical variation, residue mobility, and thermodynamic stability) indicates that this missense variant is not expected to disrupt EYA4 protein function with a negative predictive value of 80%. In summary, the available evidence is currently insufficient to determine the role of this variant in disease. Therefore, it has been classified as a Variant of Uncertain Significance.

Ambry Genetics
Classification: Uncertain significance for Cardiovascular phenotype. Last evaluated: 2024-03-08. Review status: criteria provided, single submitter. Criteria: Ambry Variant Classification Scheme 2023. Collection method: clinical testing. Allele origin: germline.
Comment: The p.Q216R variant (also known as c.647A>G), located in coding exon 8 of the EYA4 gene, results from an A to G substitution at nucleotide position 647. The glutamine at codon 216 is replaced by arginine, an amino acid with highly similar properties. This amino acid position is conserved. In addition, this alteration is predicted to be deleterious by in silico analysis. Based on the available evidence, the clinical significance of this alteration remains unclear.

NM_004100.5(EYA4):c.647A>G (p.Gln216Arg)

Gene: EYA4 (EYA transcriptional coactivator and phosphatase 4; plus strand). Cytogenetic location: 6q23.2.
Variant type: single nucleotide variant.
Coding change: c.647A>G on transcript NM_004100.5 (MANE Select); coding-DNA position 647, A replaced by G.
Protein change: p.Gln216Arg; replaces glutamine 216 with arginine.
Molecular consequence: missense variant.
Genome position (GRCh38, 1-based): chr6:133,462,687, A>G. VCF-style: chr6-133462687-A-G. GRCh37 (hg19) VCF-style: chr6-133783825-A-G.
Other names: c.485A>G, p.Gln162Arg (NM_001301012.2, NM_001370459.1); c.647A>G, p.Gln216Arg (NM_001301013.2, NM_172105.4); c.578A>G, p.Gln193Arg (NM_001370458.1, NM_172103.4); short protein forms Q162R, Q193R, Q216R.
Identifiers: ClinVar variation 3223700 (VCV003223700.2), dbSNP rs751512877, ClinGen allele CA4008118.